The following is an entry in ClinVar:

NM_006514.4(SCN10A):c.3910G>T (p.Ala1304Ser)

Gene: SCN10A (sodium voltage-gated channel alpha subunit 10; minus strand). Cytogenetic location: 3p22.2.
Variant type: single nucleotide variant.
Coding change: c.3910G>T on transcript NM_006514.4 (MANE Select); coding-DNA position 3910, G replaced by T.
Protein change: p.Ala1304Ser; replaces alanine 1304 with serine.
Molecular consequence: missense variant.
Genome position (GRCh38, 1-based): chr3:38,712,340, C>A on the plus strand (G>T on the coding strand, the complement: SCN10A is on the minus strand). VCF-style: chr3-38712340-C-A. GRCh37 (hg19) VCF-style: chr3-38753831-C-A.
Other names: c.3907G>T, p.Ala1303Ser (NM_001293306.2); c.3616G>T, p.Ala1206Ser (NM_001293307.2); c.3910G>T (NM_006514.3); short protein forms A1206S, A1304S, A1303S.
Identifiers: ClinVar variation 1736118 (VCV001736118.5), dbSNP rs142173735, ClinGen allele CA2320072.

ClinVar aggregate classification (germline): Conflicting classifications of pathogenicity. Review status: criteria provided, conflicting classifications (1 of 4 stars). 3 submissions from 3 submitters: Uncertain significance (2); Likely benign (1). Last evaluated 2026-01-27.

Conditions:
SCN10A-related disorder. Also called: SCN10A-related condition.
Cardiovascular phenotype. Identifiers: MedGen CN230736.
Brugada syndrome. Also called: Sudden Unexplained Nocturnal Death Syndrome (SUNDS); Sudden unexplained nocturnal death syndrome; Sudden Unexplained Death Syndrome; Sudden unexpected nocturnal death syndrome. Identifiers: Orphanet 130, MedGen C1142166, MONDO:0015263.

Allele frequency attached by ClinVar (database versions not stated): ESP Exome Variant Server 0.00008.
gnomAD v4.1: 28 of 1,614,052 alleles (0.0017%); highest among the groups gnomAD compares: African/African-American, 0.019%; no homozygotes.

Submissions (3):

PreventionGenetics, part of Exact Sciences
Classification: Uncertain significance for SCN10A-related condition. Last evaluated: 2026-01-27. Review status: criteria provided, single submitter. Criteria: ACMG Guidelines, 2015. Collection method: clinical testing. Allele origin: germline.
Comment: The SCN10A c.3910G>T variant is predicted to result in the amino acid substitution p.Ala1304Ser. To our knowledge, this variant has not been reported in the literature. An alternate missense variant at this position (p.Ala1304Thr) has been reported in an individual with painful peripheral neuropathy (Faber et al. 2012. PubMed ID: 23115331) and in another patient with trigeminal neuralgia (Case 4, Di Stefano et al. 2020. PubMed ID: 31928344). The c.3910G>T variant is reported in 0.028% of alleles in individuals of African descent in gnomAD. At this time, the clinical significance of this variant is uncertain due to the absence of conclusive functional and genetic evidence.

Labcorp Genetics (formerly Invitae), Labcorp
Classification: Uncertain significance for Brugada syndrome. Last evaluated: 2025-04-02. Review status: criteria provided, single submitter. Criteria: Invitae Variant Classification Sherloc (09022015). Collection method: clinical testing. Allele origin: germline.
Comment: This sequence change replaces alanine, which is neutral and non-polar, with serine, which is neutral and polar, at codon 1304 of the SCN10A protein (p.Ala1304Ser). This variant is present in population databases (rs142173735, gnomAD 0.02%). This variant has not been reported in the literature in individuals affected with SCN10A-related conditions. ClinVar contains an entry for this variant (Variation ID: 1736118). Invitae Evidence Modeling of protein sequence and biophysical properties (such as structural, functional, and spatial information, amino acid conservation, physicochemical variation, residue mobility, and thermodynamic stability) indicates that this missense variant is not expected to disrupt SCN10A protein function with a negative predictive value of 80%. In summary, the available evidence is currently insufficient to determine the role of this variant in disease. Therefore, it has been classified as a Variant of Uncertain Significance.

Ambry Genetics
Classification: Likely benign for Cardiovascular phenotype. Last evaluated: 2024-04-29. Review status: criteria provided, single submitter. Criteria: Ambry Variant Classification Scheme 2023. Collection method: clinical testing. Allele origin: germline.